The following is an entry in ClinVar:

ClinVar aggregate classification (germline): Uncertain significance (1 of 4 stars; one submission).

Allele frequency attached by ClinVar (database versions not stated): gnomAD exomes 0.00001.
gnomAD v4.1: 2 of 1,178,566 alleles (0.00017%); highest among the groups gnomAD compares: South Asian, 0.0019%; no homozygotes.

Submission:

GeneDx
Classification: Uncertain significance. Last evaluated: 2024-02-15. Review status: criteria provided, single submitter. Criteria: GeneDx Variant Classification Process June 2021. Collection method: clinical testing. Allele origin: germline. Affected: yes.
Comment: Nonsense variant predicted to result in protein truncation, although loss-of-function variants have not been reported downstream of this position in the protein; Has not been previously published as pathogenic or benign to our knowledge; Reported using an alternate transcript of the gene

NM_078629.4(MSL3):c.1171+74G>A

Gene: MSL3 (MSL complex subunit 3; plus strand). Cytogenetic location: Xp22.2.
Variant type: single nucleotide variant.
Coding change: c.1171+74G>A on transcript NM_078629.4 (MANE Select); 74 bases into the intron after coding-DNA position 1171, G replaced by A.
Molecular consequence: intron variant. On other transcripts: nonsense (1).
Genome position (GRCh38, 1-based): chrX:11,765,803, G>A. VCF-style: chrX-11765803-G-A. GRCh37 (hg19) VCF-style: chrX-11783922-G-A.
Other names: c.1245G>A, p.Trp415Ter (NM_078628.2); c.724+74G>A (NM_001282174.1); c.1135+74G>A (NM_001193270.2); c.673+74G>A (NM_006800.4); short protein forms W415*.
Identifiers: ClinVar variation 1203453 (VCV001203453.4), dbSNP rs1213063021, ClinGen allele CA412066499.